The following is an entry in ClinVar:

ClinVar aggregate classification (germline): Uncertain significance. Review status: criteria provided, multiple submitters, no conflicts (2 of 4 stars). 2 submissions from 2 submitters: Uncertain significance (2). Last evaluated 2024-12-04.

Conditions:
Inborn genetic diseases. Identifiers: MedGen C0950123, MeSH D030342.

Allele frequency attached by ClinVar (database versions not stated): gnomAD exomes 0.00001 and 0.00002; TOPMed 0.00001; ExAC 0.00002.
gnomAD v4.1: 8 of 1,612,324 alleles (0.0005%); highest among the groups gnomAD compares: Middle Eastern, 0.017%; no homozygotes.

Submissions (2):

Ambry Genetics
Classification: Uncertain significance for Inborn genetic diseases. Last evaluated: 2024-12-04. Review status: criteria provided, single submitter. Criteria: Ambry Variant Classification Scheme 2023. Collection method: clinical testing. Allele origin: germline.

Labcorp Genetics (formerly Invitae), Labcorp
Classification: Uncertain significance. Last evaluated: 2023-11-19. Review status: criteria provided, single submitter. Criteria: Invitae Variant Classification Sherloc (09022015). Collection method: clinical testing. Allele origin: germline.
Comment: This sequence change replaces lysine, which is basic and polar, with asparagine, which is neutral and polar, at codon 45 of the NBAS protein (p.Lys45Asn). This variant is present in population databases (rs750014411, gnomAD 0.003%). This variant has not been reported in the literature in individuals affected with NBAS-related conditions. ClinVar contains an entry for this variant (Variation ID: 1446352). Advanced modeling of protein sequence and biophysical properties (such as structural, functional, and spatial information, amino acid conservation, physicochemical variation, residue mobility, and thermodynamic stability) performed at Invitae indicates that this missense variant is not expected to disrupt NBAS protein function with a negative predictive value of 95%. In summary, the available evidence is currently insufficient to determine the role of this variant in disease. Therefore, it has been classified as a Variant of Uncertain Significance.

NM_015909.4(NBAS):c.135A>T (p.Lys45Asn)

Gene: NBAS (NBAS subunit of NRZ tethering complex; minus strand). Cytogenetic location: 2p24.3.
Variant type: single nucleotide variant.
Coding change: c.135A>T on transcript NM_015909.4 (MANE Select); coding-DNA position 135, A replaced by T.
Protein change: p.Lys45Asn; replaces lysine 45 with asparagine.
Molecular consequence: missense variant. On other transcripts: non-coding transcript variant (1).
Genome position (GRCh38, 1-based): chr2:15,558,617, T>A on the plus strand (A>T on the coding strand, the complement: NBAS is on the minus strand). VCF-style: chr2-15558617-T-A. GRCh37 (hg19) VCF-style: chr2-15698741-T-A.
Other names: c.135A>T (NM_015909.2); short protein forms K45N.
Identifiers: ClinVar variation 1446352 (VCV001446352.5), dbSNP rs750014411, ClinGen allele CA1537211.